The following is an entry in ClinVar:

ClinVar aggregate classification (germline): Uncertain significance (1 of 4 stars; one submission).

Submission:

GeneDx
Classification: Uncertain significance. Last evaluated: 2022-07-20. Review status: criteria provided, single submitter. Criteria: GeneDx Variant Classification Process June 2021. Collection method: clinical testing. Allele origin: germline. Affected: yes.
Comment: In silico analysis supports that this missense variant has a deleterious effect on protein structure/function; Not observed at significant frequency in large population cohorts (gnomAD); Has not been previously published as pathogenic or benign to our knowledge

NM_001242896.3(DEPDC5):c.2249C>T (p.Pro750Leu)

Gene: DEPDC5 (DEP domain containing 5, GATOR1 subcomplex subunit; plus strand). Cytogenetic location: 22q12.3.
Variant type: single nucleotide variant.
Coding change: c.2249C>T on transcript NM_001242896.3 (MANE Select); coding-DNA position 2249, C replaced by T.
Protein change: p.Pro750Leu; replaces proline 750 with leucine.
Molecular consequence: missense variant. On other transcripts: non-coding transcript variant (4).
Genome position (GRCh38, 1-based): chr22:31,837,050, C>T. VCF-style: chr22-31837050-C-T. GRCh37 (hg19) VCF-style: chr22-32233036-C-T.
Other names: c.2222C>T, p.Pro741Leu (NM_001136029.4, NM_014662.6, NM_001369903.1); c.2249C>T, p.Pro750Leu (NM_001364318.2, NM_001364320.2, NM_001363852.2); c.2015C>T, p.Pro672Leu (NM_001364319.2, NM_001242897.2, NM_001363854.2); c.2165C>T, p.Pro722Leu (NM_001369901.1, NM_001369902.1); short protein forms P722L, P750L, P741L, P672L.
Identifiers: ClinVar variation 2136252 (VCV002136252.1), dbSNP rs2519878871, ClinGen allele CA411285355.
Genomic context (GRCh38, chr22:31,837,050, plus strand): 5'-CCCCTGTAGTGCCAGGCTTCTGTTGCACAGTTGGAGTGGACTGGAAGTCTCTCACTACTC[C>T]GGCGTGCCTCCCCCTTACCACCGACTACTTCCCTGACCGCCAGGGCCTGCAGAATGACTA-3'
Protein context (NP_001229825.1, residues 740-760): VGVDWKSLTT[Pro750Leu]ACLPLTTDYF